The following is an entry in ClinVar:

NM_014639.4(SKIC3):c.881A>G (p.Asn294Ser)

Gene: SKIC3 (SKI3 subunit of superkiller complex; minus strand). Cytogenetic location: 5q15.
Variant type: single nucleotide variant.
Coding change: c.881A>G on transcript NM_014639.4 (MANE Select); coding-DNA position 881, A replaced by G.
Protein change: p.Asn294Ser; replaces asparagine 294 with serine.
Molecular consequence: missense variant.
Genome position (GRCh38, 1-based): chr5:95,530,100, T>C on the plus strand (A>G on the coding strand, the complement: SKIC3 is on the minus strand). VCF-style: chr5-95530100-T-C. GRCh37 (hg19) VCF-style: chr5-94865804-T-C.
Other names: short protein forms N294S.
Identifiers: ClinVar variation 2145429 (VCV002145429.2), dbSNP rs1332665765, ClinGen allele CA360466576.

ClinVar aggregate classification (germline): Uncertain significance (1 of 4 stars; one submission).

Allele frequency attached by ClinVar (database versions not stated): gnomAD exomes 0.00001; TOPMed 0.00002.
gnomAD v4.1: 14 of 1,613,166 alleles (0.00087%); highest among the groups gnomAD compares: Non-Finnish European, 0.0011%; no homozygotes.

Submission:

Labcorp Genetics (formerly Invitae), Labcorp
Classification: Uncertain significance. Last evaluated: 2025-03-05. Review status: criteria provided, single submitter. Criteria: Invitae Variant Classification Sherloc (09022015). Collection method: clinical testing. Allele origin: germline.
Comment: This sequence change replaces asparagine, which is neutral and polar, with serine, which is neutral and polar, at codon 294 of the TTC37 protein (p.Asn294Ser). This variant is present in population databases (no rsID available, gnomAD 0.01%). This variant has not been reported in the literature in individuals affected with TTC37-related conditions. ClinVar contains an entry for this variant (Variation ID: 2145429). An algorithm developed to predict the effect of missense changes on protein structure and function outputs the following: PolyPhen-2: "Benign". The serine amino acid residue is found in multiple mammalian species, which suggests that this missense change does not adversely affect protein function. In summary, the available evidence is currently insufficient to determine the role of this variant in disease. Therefore, it has been classified as a Variant of Uncertain Significance.